The following is an entry in ClinVar:

NM_015001.3(SPEN):c.8355C>G (p.Phe2785Leu)

Gene: SPEN (spen family transcriptional repressor; plus strand). Cytogenetic location: 1p36.13.
Variant type: single nucleotide variant.
Coding change: c.8355C>G on transcript NM_015001.3 (MANE Select); coding-DNA position 8355, C replaced by G.
Protein change: p.Phe2785Leu; replaces phenylalanine 2785 with leucine.
Molecular consequence: missense variant.
Genome position (GRCh38, 1-based): chr1:15,934,595, C>G. VCF-style: chr1-15934595-C-G. GRCh37 (hg19) VCF-style: chr1-16261090-C-G.
Other names: short protein forms F2785L.
Identifiers: ClinVar variation 4975978 (VCV004975978.1).

ClinVar aggregate classification (germline): Uncertain significance (1 of 4 stars; one submission).

Submission:

GeneDx
Classification: Uncertain significance. Last evaluated: 2026-01-31. Review status: criteria provided, single submitter. Criteria: GeneDx Variant Classification Process June 2021. Collection method: clinical testing. Allele origin: germline.
Comment: Not observed at significant frequency in large population cohorts (gnomAD); In silico analysis suggests that this missense variant does not alter protein structure/function; Has not been previously published as pathogenic or benign to our knowledge